The following is an entry in ClinVar:

NM_001384900.1(SEMA3D):c.1784C>T (p.Thr595Ile)

Gene: SEMA3D (semaphorin 3D; minus strand). Cytogenetic location: 7q21.11.
Variant type: single nucleotide variant.
Coding change: c.1784C>T on transcript NM_001384900.1 (MANE Select); coding-DNA position 1784, C replaced by T.
Protein change: p.Thr595Ile; replaces threonine 595 with isoleucine.
Molecular consequence: missense variant.
Genome position (GRCh38, 1-based): chr7:85,006,926, G>A on the plus strand (C>T on the coding strand, the complement: SEMA3D is on the minus strand). VCF-style: chr7-85006926-G-A. GRCh37 (hg19) VCF-style: chr7-84636242-G-A.
Other names: c.1784C>T, p.Thr595Ile (NM_001384901.1, NM_001384902.1, NM_001384903.1 and 1 more transcripts); short protein forms T595I.
Identifiers: ClinVar variation 3348753 (VCV003348753.1).

ClinVar aggregate classification (germline): Uncertain significance (0 of 4 stars; one submission).

Conditions:
SEMA3D-related disorder. Also called: SEMA3D-related condition.

Submission:

PreventionGenetics, part of Exact Sciences
Classification: Uncertain significance for SEMA3D-related condition. Last evaluated: 2024-01-02. Review status: no assertion criteria provided. Collection method: clinical testing. Allele origin: germline.
Comment: The SEMA3D c.1784C>T variant is predicted to result in the amino acid substitution p.Thr595Ile. To our knowledge, this variant has not been reported in the literature or in a large population database, indicating this variant is rare. At this time, the clinical significance of this variant is uncertain due to the absence of conclusive functional and genetic evidence.